The following is an entry in ClinVar:

ClinVar aggregate classification (germline): Uncertain significance (1 of 4 stars; one submission).

Conditions:
Spinocerebellar ataxia type 5 (SCA5). Identifiers: Orphanet 98766, MedGen C0752123, MONDO:0010848, OMIM 600224.
Autosomal recessive spinocerebellar ataxia 14. Also called: CEREBELLAR ATAXIA, AUTOSOMAL RECESSIVE, SPECTRIN-ASSOCIATED, 1. Identifiers: Orphanet 352403, MedGen C4706415, MONDO:0014159, OMIM 615386.

Submission:

Juno Genomics, Hangzhou Juno Genomics, Inc
Classification: Uncertain significance for Spinocerebellar ataxia type 5; Autosomal recessive spinocerebellar ataxia 14. Review status: criteria provided, single submitter. Criteria: ACMG Guidelines, 2015. Collection method: clinical testing. Allele origin: germline.
Comment: Absent from controls (or at extremely low frequency if recessive) in Genome Aggregation Database.;Missense variant in a gene that has a low rate of benign missense variation.

NM_006946.4(SPTBN2):c.2666T>A (p.Val889Asp)

Gene: SPTBN2 (spectrin beta, non-erythrocytic 2; minus strand). Cytogenetic location: 11q13.2.
Variant type: single nucleotide variant.
Coding change: c.2666T>A on transcript NM_006946.4 (MANE Select); coding-DNA position 2666, T replaced by A.
Protein change: p.Val889Asp; replaces valine 889 with aspartic acid.
Molecular consequence: missense variant.
Genome position (GRCh38, 1-based): chr11:66,704,610, A>T on the plus strand (T>A on the coding strand, the complement: SPTBN2 is on the minus strand). VCF-style: chr11-66704610-A-T. GRCh37 (hg19) VCF-style: chr11-66472081-A-T.
Other names: c.2687T>A, p.Val896Asp (NM_001411025.1); c.2666T>A, p.Val889Asp (NM_001437541.1); short protein forms V896D, V889D.
Identifiers: ClinVar variation 5004960 (VCV005004960.2).